The following is an entry in ClinVar:

ClinVar aggregate classification (germline): Uncertain significance. Review status: criteria provided, multiple submitters, no conflicts (2 of 4 stars). 2 submissions from 2 submitters: Uncertain significance (2). Last evaluated 2024-06-22.

gnomAD v4.1: 2 of 1,612,742 alleles (0.00012%); highest among the groups gnomAD compares: African/African-American, 0.0027%; no homozygotes.

Submissions (2):

Ambry Genetics
Classification: Uncertain significance. Last evaluated: 2024-06-22. Review status: criteria provided, single submitter. Criteria: Ambry Variant Classification Scheme 2023. Collection method: clinical testing. Allele origin: germline.

Greenwood Genetic Center Diagnostic Laboratories, Greenwood Genetic Center
Classification: Uncertain significance. Last evaluated: 2024-06-13. Review status: criteria provided, single submitter. Criteria: ACMG Guidelines, 2015. Collection method: clinical testing. Allele origin: germline. Affected: yes.
Comment: PM2, BP4

NM_138775.3(ALKBH8):c.26A>G (p.Tyr9Cys)

Gene: ALKBH8 (alkB homolog 8, tRNA methyltransferase; minus strand). Cytogenetic location: 11q22.3.
Variant type: single nucleotide variant.
Coding change: c.26A>G on transcript NM_138775.3 (MANE Select); coding-DNA position 26, A replaced by G.
Protein change: p.Tyr9Cys; replaces tyrosine 9 with cysteine.
Molecular consequence: missense variant. On other transcripts: non-coding transcript variant (6).
Genome position (GRCh38, 1-based): chr11:107,560,868, T>C on the plus strand (A>G on the coding strand, the complement: ALKBH8 is on the minus strand). VCF-style: chr11-107560868-T-C. GRCh37 (hg19) VCF-style: chr11-107431594-T-C.
Other names: c.26A>G, p.Tyr9Cys (NM_001301010.3, NM_001378133.1); c.35A>G (NM_001301010.2); short protein forms Y9C.
Identifiers: ClinVar variation 3287014 (VCV003287014.2).